The following is an entry in ClinVar:

ClinVar aggregate classification (germline): Uncertain significance (1 of 4 stars; one submission).

Conditions:
Hereditary cancer-predisposing syndrome. Also called: Neoplastic Syndromes, Hereditary; Tumor predisposition; Hereditary neoplastic syndrome; Hereditary Cancer Syndrome. Identifiers: Orphanet 140162, MedGen C0027672, MeSH D009386, MONDO:0015356.

Allele frequency attached by ClinVar (database versions not stated): TOPMed below 0.00001.

Submission:

Ambry Genetics
Classification: Uncertain significance for Hereditary cancer-predisposing syndrome. Last evaluated: 2023-11-14. Review status: criteria provided, single submitter. Criteria: Ambry Variant Classification Scheme 2023. Collection method: clinical testing. Allele origin: germline.
Comment: The p.D80N variant (also known as c.238G>A), located in coding exon 1 of the FLCN gene, results from a G to A substitution at nucleotide position 238. The aspartic acid at codon 80 is replaced by asparagine, an amino acid with highly similar properties. This amino acid position is conserved. In addition, this alteration is predicted to be tolerated by in silico analysis. Since supporting evidence is limited at this time, the clinical significance of this alteration remains unclear.

NM_144997.7(FLCN):c.238G>A (p.Asp80Asn)

Gene: FLCN (folliculin; minus strand). Cytogenetic location: 17p11.2.
Variant type: single nucleotide variant.
Coding change: c.238G>A on transcript NM_144997.7 (MANE Select); coding-DNA position 238, G replaced by A.
Protein change: p.Asp80Asn; replaces aspartic acid 80 with asparagine.
Molecular consequence: missense variant.
Genome position (GRCh38, 1-based): chr17:17,227,900, C>T on the plus strand (G>A on the coding strand, the complement: FLCN is on the minus strand). VCF-style: chr17-17227900-C-T. GRCh37 (hg19) VCF-style: chr17-17131214-C-T.
Other names: c.238G>A, p.Asp80Asn (NM_001353229.2, NM_001353230.2, NM_001353231.2 and 1 more transcripts); short protein forms D80N.
Identifiers: ClinVar variation 3229244 (VCV003229244.1), dbSNP rs2047301719, ClinGen allele CA398535038.